The following is an entry in ClinVar:

ClinVar aggregate classification (germline): Uncertain significance. Review status: criteria provided, multiple submitters, no conflicts (2 of 4 stars). 2 submissions from 2 submitters: Uncertain significance (2). Last evaluated 2024-11-09.

Conditions:
Charcot-Marie-Tooth disease axonal type 2O. Also called: CHARCOT-MARIE-TOOTH NEUROPATHY, AXONAL, TYPE 2O; CHARCOT-MARIE-TOOTH DISEASE, AXONAL, AUTOSOMAL DOMINANT, TYPE 2O; Charcot-Marie-Tooth Neuropathy Type 2O; Charcot-Marie-Tooth disease, axonal, type 20. Identifiers: Orphanet 284232, MedGen C3280220, MONDO:0013644, OMIM 614228.

Allele frequency attached by ClinVar (database versions not stated): ExAC 0.00001; gnomAD exomes 0.00001 and 0.00002.
gnomAD v4.1: 5 of 1,614,214 alleles (0.00031%); highest among the groups gnomAD compares: Admixed American, 0.0067%; no homozygotes.

Submissions (2):

Labcorp Genetics (formerly Invitae), Labcorp
Classification: Uncertain significance for Charcot-Marie-Tooth disease axonal type 2O. Last evaluated: 2024-11-09. Review status: criteria provided, single submitter. Criteria: Invitae Variant Classification Sherloc (09022015). Collection method: clinical testing. Allele origin: germline.
Comment: This sequence change replaces isoleucine, which is neutral and non-polar, with valine, which is neutral and non-polar, at codon 648 of the DYNC1H1 protein (p.Ile648Val). This variant is present in population databases (rs775473086, gnomAD 0.01%). This variant has not been reported in the literature in individuals affected with DYNC1H1-related conditions. ClinVar contains an entry for this variant (Variation ID: 578430). Invitae Evidence Modeling of protein sequence and biophysical properties (such as structural, functional, and spatial information, amino acid conservation, physicochemical variation, residue mobility, and thermodynamic stability) has been performed for this missense variant. However, the output from this modeling did not meet the statistical confidence thresholds required to predict the impact of this variant on DYNC1H1 protein function. In summary, the available evidence is currently insufficient to determine the role of this variant in disease. Therefore, it has been classified as a Variant of Uncertain Significance.

GeneDx
Classification: Uncertain significance. Last evaluated: 2023-07-07. Review status: criteria provided, single submitter. Criteria: GeneDx Variant Classification Process June 2021. Collection method: clinical testing. Allele origin: germline. Affected: yes.
Comment: In silico analysis supports that this missense variant does not alter protein structure/function; Has not been previously published as pathogenic or benign to our knowledge; This variant is associated with the following publications: (PMID: 26100331, 25512093, 25609763)

NM_001376.5(DYNC1H1):c.1942A>G (p.Ile648Val)

Gene: DYNC1H1 (dynein cytoplasmic 1 heavy chain 1; plus strand). Cytogenetic location: 14q32.31.
Variant type: single nucleotide variant.
Coding change: c.1942A>G on transcript NM_001376.5 (MANE Select); coding-DNA position 1942, A replaced by G.
Protein change: p.Ile648Val; replaces isoleucine 648 with valine.
Molecular consequence: missense variant.
Genome position (GRCh38, 1-based): chr14:101,986,167, A>G. VCF-style: chr14-101986167-A-G. GRCh37 (hg19) VCF-style: chr14-102452504-A-G.
Other names: short protein forms I648V.
Identifiers: ClinVar variation 578430 (VCV000578430.9), dbSNP rs775473086, ClinGen allele CA7351751.